The following is an entry in ClinVar:

NM_001458.5(FLNC):c.2641+8_2641+11del

Gene: FLNC (filamin C; plus strand). Cytogenetic location: 7q32.1.
Variant type: Deletion.
Coding change: c.2641+8_2641+11del on transcript NM_001458.5 (MANE Select); bases 8 to 11 of the intron after coding-DNA position 2641, 4 bases deleted (TCTG; older notation c.2641+8_2641+11delTCTG).
Molecular consequence: intron variant.
Genome position (GRCh38, 1-based): chr7:128,843,327-128,843,330, TCTG deleted; deleting any 4 consecutive bases within chr7:128,843,325-128,843,330 gives the same sequence; the c. name uses the placement nearest the transcript's 3' end. VCF-style (leftmost placement, unchanged base first): chr7-128843324-GTGTC-G. GRCh37 (hg19) VCF-style: chr7-128483378-GTGTC-G.
Other names: c.2641+8_2641+11del (NM_001127487.2).
Identifiers: ClinVar variation 1146208 (VCV001146208.22), dbSNP rs1808418675, ClinGen allele CA1742580461.
Genomic context (GRCh38, chr7:128,843,324, plus strand): 5'-CCCATCCCACGATGCCAGCAAAGTCAAGGCCGAGGGCCCTGGGCTGAATCGCACAGGTGA[GTGTC>G]TGGGCAGGGGCTGGGACTGGCTCGAGGTTGGGGTTAGGTGGCTGCCAGGCCCTCACCACA-3'

ClinVar aggregate classification (germline): Conflicting classifications of pathogenicity. Review status: criteria provided, conflicting classifications (1 of 4 stars). 2 submissions from 2 submitters: Uncertain significance (1); Likely benign (1). Last evaluated 2025-01-01.

Conditions:
Myofibrillar myopathy 5. Also called: Filaminopathy (type); FILAMINOPATHY, AUTOSOMAL DOMINANT. Identifiers: Orphanet 171445, MedGen C1836050, MONDO:0012289, OMIM 609524.
Hypertrophic cardiomyopathy 26. Also called: Cardiomyopathy, familial hypertrophic, 26. Identifiers: Orphanet 75249, MedGen C4310749, MONDO:0014883, OMIM 617047.
Distal myopathy with posterior leg and anterior hand involvement. Also called: WILLIAMS DISTAL MYOPATHY. Identifiers: Orphanet 63273, MedGen C3279722, MONDO:0013550, OMIM 614065.

Submissions (2):

CeGaT Center for Human Genetics Tuebingen
Classification: Uncertain significance. Last evaluated: 2025-01-01. Review status: criteria provided, single submitter. Criteria: CeGaT Center For Human Genetics Tuebingen Variant Classification Criteria Version 2. Collection method: clinical testing. Allele origin: germline. Affected: yes. Observed: 1 variant allele.
Comment: FLNC: PM2, BP4

Labcorp Genetics (formerly Invitae), Labcorp
Classification: Likely benign for Distal myopathy with posterior leg and anterior hand involvement; Myofibrillar myopathy 5; Hypertrophic cardiomyopathy 26. Last evaluated: 2020-08-31. Review status: criteria provided, single submitter. Criteria: Invitae Variant Classification Sherloc (09022015). Collection method: clinical testing. Allele origin: germline.